The following is an entry in ClinVar:

NM_022370.4(ROBO3):c.3493C>T (p.Gln1165Ter)

Gene: ROBO3 (roundabout guidance receptor 3; plus strand). Cytogenetic location: 11q24.2.
Variant type: single nucleotide variant.
Coding change: c.3493C>T on transcript NM_022370.4 (MANE Select); coding-DNA position 3493, C replaced by T.
Protein change: p.Gln1165Ter; replaces glutamine 1165 with a stop codon.
Molecular consequence: nonsense. On other transcripts: non-coding transcript variant (5).
Genome position (GRCh38, 1-based): chr11:124,878,756, C>T. VCF-style: chr11-124878756-C-T. GRCh37 (hg19) VCF-style: chr11-124748652-C-T.
Other names: c.640C>T, p.Gln214Ter (NM_001370356.1, NM_001370357.1, NM_001370358.1 and 2 more transcripts); c.445C>T, p.Gln149Ter (NM_001370364.1, NM_001370366.1); short protein forms Q149*, Q1165*, Q214*.
Identifiers: ClinVar variation 2585490 (VCV002585490.1), dbSNP rs2497318651, ClinGen allele CA383156620.
Genomic context (GRCh38, chr11:124,878,756, plus strand): 5'-ACACCTTCCTATGGACAGCAGTCCACAGCCACTCTTACACCCTCACCTCCTGACCCTCCC[C>T]AGCCCCCAACTGACATGCCCCATCTCCATCAGATGCCCAGGTAGGGAGGTATATAGTACC-3'

ClinVar aggregate classification (germline): Likely pathogenic (1 of 4 stars; one submission).

Conditions:
Gaze palsy, familial horizontal, with progressive scoliosis 1 (HGPPS1). Identifiers: Orphanet 2744, MedGen C4551964, MONDO:0020790, OMIM 607313.

Submission:

Neuberg Centre For Genomic Medicine, NCGM
Classification: Likely pathogenic for Gaze palsy, familial horizontal, with progressive scoliosis 1. Review status: criteria provided, single submitter. Criteria: ACMG Guidelines, 2015. Collection method: clinical testing. Allele origin: germline. Inheritance: Autosomal recessive inheritance. Affected: yes.
Comment: The stop gained c.3493C>T (p.Gln1165Ter) variant has not been reported previously as a pathogenic variant nor as a benign variant, to our knowledge. The variant is novel (not in any individuals) in gnomAD and in 1000 Genomes. The nucleotide change in ROBO3 is predicted as conserved by GERP++ and PhyloP across 100 vertebrates. Loss of function variants have been previously reported to be disease causing. For these reasons, this variant has been classified as Likely Pathogenic.